The following is an entry in ClinVar:

NM_015046.7(SETX):c.2002AAT[1] (p.Asn669del)

Gene: SETX (senataxin; minus strand). Cytogenetic location: 9q34.13.
Variant type: Microsatellite.
Coding change: c.2002AAT[1] on transcript NM_015046.7 (MANE Select); one copy of the 3-base unit AAT starting at c.2002; the reference has two copies in a row; one copy, 3 bases deleted.
Protein change: p.Asn669del; deletes asparagine 669.
Genome position (GRCh38, 1-based): chr9:132,329,591-132,329,593, ATT deleted on the plus strand (AAT on the coding strand, the reverse complement: SETX is on the minus strand); deleting any 3 consecutive bases within chr9:132,329,591-132,329,596 gives the same sequence; the position shown is the placement nearest the transcript's 3' end. VCF-style (leftmost placement, unchanged base first): chr9-132329590-CATT-C. GRCh37 (hg19) VCF-style: chr9-135204977-CATT-C.
Other names: c.2002AAT[1], p.Asn669del (NM_001351527.2, NM_001351528.2); short protein forms N669del.
Identifiers: ClinVar variation 4794291 (VCV004794291.1).

ClinVar aggregate classification (germline): Uncertain significance (1 of 4 stars; one submission).

Conditions:
Spinocerebellar ataxia, autosomal recessive, with axonal neuropathy 2 (SCAN2). Also called: Ataxia-ocular apraxia-2; Ataxia with Oculomotor Apraxia Type 2; Ataxia with Oculomotor Apraxia; ATAXIA-OCULOMOTOR APRAXIA 2. Identifiers: Orphanet 64753, MedGen C1853761, MONDO:0018996, OMIM 606002.
Amyotrophic lateral sclerosis type 4 (ALS4). Also called: NEURONOPATHY, DISTAL HEREDITARY MOTOR, WITH PYRAMIDAL FEATURES; AMYOTROPHIC LATERAL SCLEROSIS 4, JUVENILE. Identifiers: Orphanet 357043, MedGen C1865409, MONDO:0011223, OMIM 602433.

Submission:

Labcorp Genetics (formerly Invitae), Labcorp
Classification: Uncertain significance for Amyotrophic lateral sclerosis type 4; Spinocerebellar ataxia, autosomal recessive, with axonal neuropathy 2. Last evaluated: 2025-10-24. Review status: criteria provided, single submitter. Criteria: Invitae Variant Classification Sherloc (09022015). Collection method: clinical testing. Allele origin: germline.
Comment: This variant, c.2005_2007del, results in the deletion of 1 amino acid(s) of the SETX protein (p.Asn669del), but otherwise preserves the integrity of the reading frame. This variant is present in population databases (rs772269575, gnomAD 0.008%). This variant has not been reported in the literature in individuals affected with SETX-related conditions. Experimental studies and prediction algorithms are not available or were not evaluated, and the functional significance of this variant is currently unknown. In summary, the available evidence is currently insufficient to determine the role of this variant in disease. Therefore, it has been classified as a Variant of Uncertain Significance.